The following is an entry in ClinVar:

NM_013352.4(DSE):c.-53-89A>G

Gene: DSE (dermatan sulfate epimerase; plus strand). Cytogenetic location: 6q22.1.
Variant type: single nucleotide variant.
Coding change: c.-53-89A>G on transcript NM_013352.4 (MANE Select); 89 bases into the intron before 53 bases upstream of the start codon, A replaced by G.
Molecular consequence: intron variant.
Genome position (GRCh38, 1-based): chr6:116,399,109, A>G. VCF-style: chr6-116399109-A-G. GRCh37 (hg19) VCF-style: chr6-116720272-A-G.
Other names: c.-53-89A>G (NM_001322937.2, NM_001322938.2, NM_001080976.3 and 2 more transcripts); c.-610-89A>G (NM_001322940.2, NM_001322941.2); c.5-89A>G (NM_001322939.2).
Identifiers: ClinVar variation 679090 (VCV000679090.2), dbSNP rs115024541, ClinGen allele CA146391157.

ClinVar aggregate classification (germline): Likely benign. Review status: criteria provided, multiple submitters, no conflicts (2 of 4 stars). 2 submissions from 2 submitters: Likely benign (2). Last evaluated 2018-06-14.

Allele frequency attached by ClinVar (database versions not stated): gnomAD exomes 0.00123; gnomAD 0.01409; 1000 Genomes Project 0.01438; TOPMed 0.01484; 1000 Genomes Project 30x 0.01562.
gnomAD v4.1: 3,183 of 1,034,526 alleles (0.31%); highest among the groups gnomAD compares: African/African-American, 4.7%; 67 homozygotes.

Submissions (2):

GeneDx
Classification: Likely benign. Last evaluated: 2018-06-14. Review status: criteria provided, single submitter. Criteria: GeneDx Variant Classification (06012015). Collection method: clinical testing. Allele origin: germline. Affected: yes.
Comment: This variant is considered likely benign or benign based on one or more of the following criteria: it is a conservative change, it occurs at a poorly conserved position in the protein, it is predicted to be benign by multiple in silico algorithms, and/or has population frequency not consistent with disease.

Breakthrough Genomics
Classification: Likely benign. Review status: criteria provided, single submitter. Criteria: ACMG Guidelines, 2015. Collection method: not provided. Allele origin: germline. Inheritance: Autosomal recessive inheritance. Affected: yes.